The following is an entry in ClinVar:

NM_000030.3(AGXT):c.1120G>C (p.Asp374His)

Gene: AGXT (alanine--glyoxylate aminotransferase; plus strand). Cytogenetic location: 2q37.3.
Variant type: single nucleotide variant.
Coding change: c.1120G>C on transcript NM_000030.3 (MANE Select); coding-DNA position 1120, G replaced by C.
Protein change: p.Asp374His; replaces aspartic acid 374 with histidine.
Molecular consequence: missense variant.
Genome position (GRCh38, 1-based): chr2:240,878,762, G>C. VCF-style: chr2-240878762-G-C. GRCh37 (hg19) VCF-style: chr2-241818179-G-C.
Other names: short protein forms D374H.
Identifiers: ClinVar variation 2671861 (VCV002671861.1), dbSNP rs2528766485, ClinGen allele CA351319810.

ClinVar aggregate classification (germline): Pathogenic (1 of 4 stars; one submission).

Conditions:
Primary hyperoxaluria, type I (HP1). Also called: OXALOSIS I; Primary hyperoxaluria type 1; GLYCOLIC ACIDURIA; HEPATIC AGT DEFICIENCY. Identifiers: Orphanet 416, Orphanet 93598, MedGen C0268164, MONDO:0009823, OMIM 259900. Disease mechanism: loss of function.

Submission:

Thalassemia Center, San Luigi University Hospital
Classification: Pathogenic for Primary hyperoxaluria, type I. Last evaluated: 2023-10-27. Review status: criteria provided, single submitter. Criteria: ACMG Guidelines, 2015. Collection method: clinical testing. Allele origin: germline. Affected: yes.
Comment: ACMG:PM2 PM3 PP3 PP4